The following is an entry in ClinVar:

ClinVar aggregate classification (germline): Uncertain significance. Review status: criteria provided, multiple submitters, no conflicts (2 of 4 stars). 5 submissions from 5 submitters: Uncertain significance (5). Last evaluated 2025-12-17.

Conditions:
Inborn genetic diseases. Identifiers: MedGen C0950123, MeSH D030342.
Hypogonadotropic hypogonadism 5 with or without anosmia (KAL5). Also called: HYPOGONADOTROPIC HYPOGONADISM 5 WITH ANOSMIA; HYPOGONADOTROPHIC HYPOGONADISM 5 WITHOUT ANOSMIA; CHD7-Related GnRH Deficiency (Kallmann Syndrome 5). Identifiers: Orphanet 478, MedGen C3552553, MONDO:0012880, OMIM 612370. Disease mechanism: loss of function.
CHARGE syndrome (CHARGE). Also called: Coloboma, heart anomaly, choanal atresia, retardation, genital and ear anomalies; CHARGE association; Hall-Hittner syndrome; Hittner Hirsch Kreh syndrome; CHARGE ASSOCIATION--COLOBOMA, HEART ANOMALY, CHOANAL ATRESIA, RETARDATION, GENITAL AND EAR ANOMALIES. Identifiers: Orphanet 138, MedGen C0265354, MONDO:0008965.
CHD7-related disorder. Also called: CHD7-related condition.

gnomAD v4.1: 1 of 1,566,674 alleles (0.000064%); highest among the groups gnomAD compares: Admixed American, 0.0019%; no homozygotes.

Submissions (5):

Labcorp Genetics (formerly Invitae), Labcorp
Classification: Uncertain significance for CHARGE syndrome. Last evaluated: 2025-12-17. Review status: criteria provided, single submitter. Criteria: Invitae Variant Classification Sherloc (09022015). Collection method: clinical testing. Allele origin: germline.
Comment: This sequence change replaces alanine, which is neutral and non-polar, with aspartic acid, which is acidic and polar, at codon 2211 of the CHD7 protein (p.Ala2211Asp). This variant is not present in population databases (gnomAD no frequency). This variant has not been reported in the literature in individuals affected with CHD7-related conditions. ClinVar contains an entry for this variant (Variation ID: 1508955). Invitae Evidence Modeling of protein sequence and biophysical properties (such as structural, functional, and spatial information, amino acid conservation, physicochemical variation, residue mobility, and thermodynamic stability) indicates that this missense variant is not expected to disrupt CHD7 protein function with a negative predictive value of 95%. In summary, the available evidence is currently insufficient to determine the role of this variant in disease. Therefore, it has been classified as a Variant of Uncertain Significance.

Ambry Genetics
Classification: Uncertain significance for Inborn genetic diseases. Last evaluated: 2025-08-29. Review status: criteria provided, single submitter. Criteria: Ambry Variant Classification Scheme 2023. Collection method: clinical testing. Allele origin: germline.

PreventionGenetics, part of Exact Sciences
Classification: Uncertain significance for CHD7-related condition. Last evaluated: 2025-05-09. Review status: criteria provided, single submitter. Criteria: ACMG Guidelines, 2015. Collection method: clinical testing. Allele origin: germline.
Comment: The CHD7 c.6632C>A variant is predicted to result in the amino acid substitution p.Ala2211Asp. To our knowledge, this variant has not been reported in the literature or in a large population database (gnomAD), indicating this variant is rare. At this time, the clinical significance of this variant is uncertain due to the absence of conclusive functional and genetic evidence.

GeneDx
Classification: Uncertain significance. Last evaluated: 2023-02-07. Review status: criteria provided, single submitter. Criteria: GeneDx Variant Classification Process June 2021. Collection method: clinical testing. Allele origin: germline. Affected: yes.
Comment: Not observed at significant frequency in large population cohorts (gnomAD); In silico analysis supports that this missense variant does not alter protein structure/function; Has not been previously published as pathogenic or benign to our knowledge

Fulgent Genetics
Classification: Uncertain significance for CHD7-related CHARGE syndrome; Hypogonadotropic hypogonadism 5 with or without anosmia. Last evaluated: 2021-07-08. Review status: criteria provided, single submitter. Criteria: ACMG Guidelines, 2015. Collection method: clinical testing. Allele origin: unknown.

NM_017780.4(CHD7):c.6632C>A (p.Ala2211Asp)

Gene: CHD7 (chromodomain helicase DNA binding protein 7; plus strand). Cytogenetic location: 8q12.2.
Variant type: single nucleotide variant.
Coding change: c.6632C>A on transcript NM_017780.4 (MANE Select); coding-DNA position 6632, C replaced by A.
Protein change: p.Ala2211Asp; replaces alanine 2211 with aspartic acid.
Molecular consequence: missense variant. On other transcripts: intron variant (1).
Genome position (GRCh38, 1-based): chr8:60,853,357, C>A. VCF-style: chr8-60853357-C-A. GRCh37 (hg19) VCF-style: chr8-61765916-C-A.
Other names: c.1717-8872C>A (NM_001316690.1); short protein forms A2211D.
Identifiers: ClinVar variation 1508955 (VCV001508955.12), dbSNP rs1398262614, ClinGen allele CA371325992.